The following is an entry in ClinVar:

NM_032793.5(MFSD2A):c.229-32A>T

Gene: MFSD2A (MFSD2 lysolipid transporter A, lysophospholipid; plus strand). Cytogenetic location: 1p34.2.
Variant type: single nucleotide variant.
Coding change: c.229-32A>T on transcript NM_032793.5 (MANE Select); 32 bases into the intron before coding-DNA position 229, A replaced by T.
Molecular consequence: intron variant. On other transcripts: missense variant (1).
Genome position (GRCh38, 1-based): chr1:39,958,669, A>T. VCF-style: chr1-39958669-A-T. GRCh37 (hg19) VCF-style: chr1-40424341-A-T.
Other names: c.236A>T, p.Glu79Val (NM_001136493.3); c.229-32A>T (NM_001349822.2); c.-117-32A>T (NM_001349823.2); c.118-32A>T (NM_001287809.2); c.-116+3284A>T (NM_001287808.2); c.223-32A>T (NM_001349821.2); short protein forms E79V.
Identifiers: ClinVar variation 1964982 (VCV001964982.2), dbSNP rs1291078799, ClinGen allele CA339830131.

ClinVar aggregate classification (germline): Uncertain significance (1 of 4 stars; one submission).

Allele frequency attached by ClinVar (database versions not stated): gnomAD exomes below 0.00001.
gnomAD v4.1: 1 of 1,614,098 alleles (0.000062%); highest among the groups gnomAD compares: Non-Finnish European, 0.000085%; no homozygotes.

Submission:

Labcorp Genetics (formerly Invitae), Labcorp
Classification: Uncertain significance. Last evaluated: 2022-08-19. Review status: criteria provided, single submitter. Criteria: Invitae Variant Classification Sherloc (09022015). Collection method: clinical testing. Allele origin: germline.
Comment: This sequence change replaces glutamic acid, which is acidic and polar, with valine, which is neutral and non-polar, at codon 79 of the MFSD2A protein (p.Glu79Val). This variant is present in population databases (no rsID available, gnomAD 0.0009%). This variant has not been reported in the literature in individuals affected with MFSD2A-related conditions. Algorithms developed to predict the effect of missense changes on protein structure and function (SIFT, PolyPhen-2, Align-GVGD) all suggest that this variant is likely to be tolerated. In summary, the available evidence is currently insufficient to determine the role of this variant in disease. Therefore, it has been classified as a Variant of Uncertain Significance.